The following is an entry in ClinVar:

ClinVar aggregate classification (germline): Uncertain significance. Review status: criteria provided, multiple submitters, no conflicts (2 of 4 stars). 2 submissions from 2 submitters: Uncertain significance (2). Last evaluated 2026-06-09.

Conditions:
Inborn genetic diseases. Identifiers: MedGen C0950123, MeSH D030342.

Submissions (2):

Ambry Genetics
Classification: Uncertain significance for Inborn genetic diseases. Last evaluated: 2026-06-09. Review status: criteria provided, single submitter. Criteria: Ambry Variant Classification Scheme 2023. Collection method: clinical testing. Allele origin: germline.
Comment: The p.L890V variant (also known as c.2668C>G), located in coding exon 13 of the ASXL1 gene, results from a C to G substitution at nucleotide position 2668. The leucine at codon 890 is replaced by valine, an amino acid with highly similar properties. This amino acid position is conserved. In addition, this alteration is predicted to be tolerated by in silico analysis. Based on the available evidence, the clinical significance of this variant remains unclear.

Labcorp Genetics (formerly Invitae), Labcorp
Classification: Uncertain significance. Last evaluated: 2026-01-12. Review status: criteria provided, single submitter. Criteria: Invitae Variant Classification Sherloc (09022015). Collection method: clinical testing. Allele origin: germline.
Comment: This sequence change replaces leucine, which is neutral and non-polar, with valine, which is neutral and non-polar, at codon 890 of the ASXL1 protein (p.Leu890Val). This variant is not present in population databases (gnomAD no frequency). This variant has not been reported in the literature in individuals affected with ASXL1-related conditions. ClinVar contains an entry for this variant (Variation ID: 3638453). An algorithm developed to predict the effect of missense changes on protein structure and function (PolyPhen-2) suggests that this variant is likely to be tolerated. In summary, the available evidence is currently insufficient to determine the role of this variant in disease. Therefore, it has been classified as a Variant of Uncertain Significance.

NM_015338.6(ASXL1):c.2668C>G (p.Leu890Val)

Gene: ASXL1 (ASXL transcriptional regulator 1; plus strand). Cytogenetic location: 20q11.21.
Variant type: single nucleotide variant.
Coding change: c.2668C>G on transcript NM_015338.6 (MANE Select); coding-DNA position 2668, C replaced by G.
Protein change: p.Leu890Val; replaces leucine 890 with valine.
Molecular consequence: missense variant.
Genome position (GRCh38, 1-based): chr20:32,435,380, C>G. VCF-style: chr20-32435380-C-G. GRCh37 (hg19) VCF-style: chr20-31023183-C-G.
Other names: c.2485C>G, p.Leu829Val (NM_001363734.1); short protein forms L890V, L829V.
Identifiers: ClinVar variation 3638453 (VCV003638453.3).